The following is an entry in ClinVar:

NM_000051.4(ATM):c.1780_1781del (p.Glu594fs)

Gene: ATM (ATM serine/threonine kinase; plus strand). Cytogenetic location: 11q22.3.
Variant type: Deletion.
Coding change: c.1780_1781del on transcript NM_000051.4 (MANE Select); coding-DNA positions 1780 to 1781, 2 bases deleted (GA; older notation c.1780_1781delGA).
Protein change: p.Glu594fs; shifts the reading frame from glutamic acid 594.
Molecular consequence: frameshift variant.
Genome position (GRCh38, 1-based): chr11:108,252,009-108,252,010, GA deleted; deleting any 2 consecutive bases within chr11:108,252,008-108,252,010 gives the same sequence; the c. name uses the placement nearest the transcript's 3' end. VCF-style (leftmost placement, unchanged base first): chr11-108252007-CAG-C. GRCh37 (hg19) VCF-style: chr11-108122734-CAG-C.
Other names: c.1780_1781del, p.Glu594fs (NM_001351834.2); short protein forms E594fs.
Identifiers: ClinVar variation 1779978 (VCV001779978.5), dbSNP rs2497274278, ClinGen allele CA2580083795.

ClinVar aggregate classification (germline): Pathogenic. Review status: criteria provided, multiple submitters, no conflicts (2 of 4 stars). 2 submissions from 2 submitters: Pathogenic (2). Last evaluated 2023-07-03.

Conditions:
Hereditary cancer-predisposing syndrome. Also called: Tumor predisposition; Neoplastic Syndromes, Hereditary; Hereditary Cancer Syndrome; Hereditary neoplastic syndrome. Identifiers: Orphanet 140162, MedGen C0027672, MeSH D009386, MONDO:0015356.
Ataxia-telangiectasia syndrome (AT). Also called: LOUIS-BAR SYNDROME; Cerebello-oculocutaneous telangiectasia; Immunodeficiency with ataxia telangiectasia; Ataxia-telangiectasia, complementation group D; AT, COMPLEMENTATION GROUP C; ATAXIA-TELANGIECTASIA, COMPLEMENTATION GROUP A. Identifiers: Orphanet 100, MedGen C0004135, MONDO:0008840, OMIM 208900.

Submissions (2):

Labcorp Genetics (formerly Invitae), Labcorp
Classification: Pathogenic for Ataxia-telangiectasia syndrome. Last evaluated: 2023-07-03. Review status: criteria provided, single submitter. Criteria: Invitae Variant Classification Sherloc (09022015). Collection method: clinical testing. Allele origin: germline.
Comment: This sequence change creates a premature translational stop signal (p.Glu594Serfs*8) in the ATM gene. It is expected to result in an absent or disrupted protein product. Loss-of-function variants in ATM are known to be pathogenic (PMID: 23807571, 25614872). For these reasons, this variant has been classified as Pathogenic. Algorithms developed to predict the effect of sequence changes on RNA splicing suggest that this variant may disrupt the consensus splice site. ClinVar contains an entry for this variant (Variation ID: 1779978). This variant has not been reported in the literature in individuals affected with ATM-related conditions. This variant is not present in population databases (gnomAD no frequency).

Ambry Genetics
Classification: Pathogenic for Hereditary cancer-predisposing syndrome. Last evaluated: 2020-11-06. Review status: criteria provided, single submitter. Criteria: Ambry Variant Classification Scheme 2023. Collection method: clinical testing. Allele origin: germline.
Comment: The c.1780_1781delGA pathogenic mutation, located in coding exon 10 of the ATM gene, results from a deletion of two nucleotides at nucleotide positions 1780 to 1781, causing a translational frameshift with a predicted alternate stop codon (p.E594Sfs*8). This alteration is expected to result in loss of function by premature protein truncation or nonsense-mediated mRNA decay. As such, this alteration is interpreted as a disease-causing mutation.

Literature cited by the submitters: PubMed 23807571 (cited by Labcorp Genetics (formerly Invitae), Labcorp); PubMed 25614872 (cited by Labcorp Genetics (formerly Invitae), Labcorp).